The following is an entry in ClinVar:

ClinVar aggregate classification (germline): Uncertain significance (1 of 4 stars; one submission).

Conditions:
Hajdu-Cheney syndrome (HJCYS). Also called: ACROOSTEOLYSIS WITH OSTEOPOROSIS AND CHANGES IN SKULL AND MANDIBLE; SERPENTINE FIBULA-POLYCYSTIC KIDNEY SYNDROME; Acroosteolysis dominant type. Identifiers: Orphanet 955, MedGen C0917715, MONDO:0007057, OMIM 102500.

gnomAD v4.1: 1 of 1,614,100 alleles (0.000062%); highest among the groups gnomAD compares: Non-Finnish European, 0.000085%; no homozygotes.

Submission:

Labcorp Genetics (formerly Invitae), Labcorp
Classification: Uncertain significance for Hajdu-Cheney syndrome. Last evaluated: 2025-08-04. Review status: criteria provided, single submitter. Criteria: Invitae Variant Classification Sherloc (09022015). Collection method: clinical testing. Allele origin: germline.
Comment: This sequence change replaces valine, which is neutral and non-polar, with methionine, which is neutral and non-polar, at codon 416 of the NOTCH2 protein (p.Val416Met). This variant is not present in population databases (gnomAD no frequency). This variant has not been reported in the literature in individuals affected with NOTCH2-related conditions. Invitae Evidence Modeling of protein sequence and biophysical properties (such as structural, functional, and spatial information, amino acid conservation, physicochemical variation, residue mobility, and thermodynamic stability) indicates that this missense variant is not expected to disrupt NOTCH2 protein function with a negative predictive value of 95%. In summary, the available evidence is currently insufficient to determine the role of this variant in disease. Therefore, it has been classified as a Variant of Uncertain Significance.

NM_024408.4(NOTCH2):c.1246G>A (p.Val416Met)

Gene: NOTCH2 (notch receptor 2; minus strand). Cytogenetic location: 1p12.
Variant type: single nucleotide variant.
Coding change: c.1246G>A on transcript NM_024408.4 (MANE Select); coding-DNA position 1246, G replaced by A.
Protein change: p.Val416Met; replaces valine 416 with methionine.
Molecular consequence: missense variant.
Genome position (GRCh38, 1-based): chr1:119,968,095, C>T on the plus strand (G>A on the coding strand, the complement: NOTCH2 is on the minus strand). VCF-style: chr1-119968095-C-T. GRCh37 (hg19) VCF-style: chr1-120510718-C-T.
Other names: c.1246G>A, p.Val416Met (NM_001200001.2); short protein forms V416M.
Identifiers: ClinVar variation 4774083 (VCV004774083.1).